The following is an entry in ClinVar:

ClinVar aggregate classification (germline): Uncertain significance (1 of 4 stars; one submission).

Conditions:
Hereditary cancer-predisposing syndrome. Also called: Hereditary neoplastic syndrome; Neoplastic Syndromes, Hereditary; Tumor predisposition; Hereditary Cancer Syndrome. Identifiers: Orphanet 140162, MedGen C0027672, MeSH D009386, MONDO:0015356.

Submission:

Ambry Genetics
Classification: Uncertain significance for Hereditary cancer-predisposing syndrome. Last evaluated: 2025-08-27. Review status: criteria provided, single submitter. Criteria: Ambry Variant Classification Scheme 2023. Collection method: clinical testing. Allele origin: germline.
Comment: The p.A117G variant (also known as c.350C>G), located in coding exon 4 of the MUTYH gene, results from a C to G substitution at nucleotide position 350. The alanine at codon 117 is replaced by glycine, an amino acid with similar properties. This amino acid position is conserved. In addition, this alteration is predicted to be tolerated by in silico analysis. Based on the available evidence, the clinical significance of this variant remains unclear.

NM_001048174.2(MUTYH):c.266C>G (p.Ala89Gly)

Gene: MUTYH (mutY DNA glycosylase; minus strand). Cytogenetic location: 1p34.1.
Variant type: single nucleotide variant.
Coding change: c.266C>G on transcript NM_001048174.2 (MANE Select); coding-DNA position 266, C replaced by G.
Protein change: p.Ala89Gly; replaces alanine 89 with glycine.
Molecular consequence: missense variant. On other transcripts: 5 prime UTR variant (6), non-coding transcript variant (7).
Genome position (GRCh38, 1-based): chr1:45,333,323, G>C on the plus strand (C>G on the coding strand, the complement: MUTYH is on the minus strand). VCF-style: chr1-45333323-G-C. GRCh37 (hg19) VCF-style: chr1-45798995-G-C.
Other names: c.350C>G, p.Ala117Gly (NM_001128425.2); c.311C>G, p.Ala104Gly (NM_001293190.2); c.299C>G, p.Ala100Gly (NM_001293191.2, NM_001407077.1); c.-11C>G (NM_001293192.2, NM_001293196.2, NM_001407091.1); c.266C>G, p.Ala89Gly (NM_001293195.2, NM_001407070.1, NM_001407088.1 and 6 more transcripts); c.-6C>G (NM_001350650.2, NM_001350651.2, NM_001407082.1); c.341C>G, p.Ala114Gly (NM_001407069.1, NM_012222.3); c.269C>G, p.Ala90Gly (NM_001407071.1, NM_001407086.1, NM_001407078.1 and 2 more transcripts); and 3 more; short protein forms A103G, A114G, A61G, A89G, A104G, A90G, A96G, A100G.
Identifiers: ClinVar variation 4113611 (VCV004113611.1).